The following is an entry in ClinVar:

ClinVar aggregate classification (germline): Likely benign (1 of 4 stars; one submission).

gnomAD v4.1: 5,600 of 1,263,628 alleles (0.44%); highest among the groups gnomAD compares: Non-Finnish European, 0.52%; 12 homozygotes.

Submission:

CeGaT Center for Human Genetics Tuebingen
Classification: Likely benign. Last evaluated: 2026-03-01. Review status: criteria provided, single submitter. Criteria: CeGaT Center For Human Genetics Tuebingen Variant Classification Criteria Version 2. Collection method: clinical testing. Allele origin: germline. Affected: yes. Observed: 1 variant allele.
Comment: EEF1D: BP4, BS2

NM_001130053.5(EEF1D):c.1-83C>T

Gene: EEF1D (eukaryotic translation elongation factor 1 delta; minus strand). Cytogenetic location: 8q24.3.
Variant type: single nucleotide variant.
Coding change: c.1-83C>T on transcript NM_001130053.5 (MANE Select); 83 bases into the intron before coding-DNA position 1, C replaced by T.
Molecular consequence: intron variant.
Genome position (GRCh38, 1-based): chr8:143,590,164, G>A on the plus strand (C>T on the coding strand, the complement: EEF1D is on the minus strand). VCF-style: chr8-143590164-G-A. GRCh37 (hg19) VCF-style: chr8-144672334-G-A.
Other names: c.-4-3315C>T (NM_001317743.4, NM_001289950.4, NM_001130055.4); c.-7-3312C>T (NM_001130056.5, NM_001195203.4, NM_001960.7 and 2 more transcripts); c.1-83C>T (NM_032378.7).
Identifiers: ClinVar variation 4820680 (VCV004820680.4).
Genomic context (GRCh38, chr8:143,590,164, plus strand): 5'-GCAAGCAGAGGGCAGAGTTGCAACACAGCGGGTGGCCGCAGCCCCGTGCCCACCCTCCCC[G>A]TGCCCGCCCTCCCCGTGGCTGCCCTCCCTGGGCAGGGGCTGAGGATGCTCCCCAGTGGGG-3'